The following is an entry in ClinVar:

ClinVar aggregate classification (germline): Uncertain significance (1 of 4 stars; one submission).

Allele frequency attached by ClinVar (database versions not stated): gnomAD exomes below 0.00001.
gnomAD v4.1: 5 of 1,613,998 alleles (0.00031%); highest among the groups gnomAD compares: Non-Finnish European, 0.00042%; no homozygotes.

Submission:

Mayo Clinic Laboratories, Mayo Clinic
Classification: Uncertain significance. Last evaluated: 2023-05-15. Review status: criteria provided, single submitter. Criteria: ACMG Guidelines, 2015. Collection method: clinical testing. Allele origin: germline. Observed: 1 variant allele.
Comment: PP3, PM2

NM_005502.4(ABCA1):c.6202C>A (p.Leu2068Met)

Genes: ABCA1 (ATP binding cassette subfamily A member 1; minus strand), NIPSNAP3B (nipsnap homolog 3B; plus strand). Cytogenetic location: 9q31.1.
Variant type: single nucleotide variant.
Coding change: c.6202C>A on transcript NM_005502.4 (MANE Select); coding-DNA position 6202, C replaced by A.
Protein change: p.Leu2068Met; replaces leucine 2068 with methionine.
Molecular consequence: missense variant.
Genome position (GRCh38, 1-based): chr9:104,787,922, G>T on the plus strand (C>A on the coding strand, the complement: ABCA1 is on the minus strand). VCF-style: chr9-104787922-G-T. GRCh37 (hg19) VCF-style: chr9-107550203-G-T.
Other names: p.Leu2068Met; short protein forms L2068M.
Identifiers: ClinVar variation 2683058 (VCV002683058.1), dbSNP rs1829066562, ClinGen allele CA374306186.
Genomic context (GRCh38, chr9:104,787,922, plus strand): 5'-ACAGTCATGTTTTCCACTCAGGCCAGAACAACAGTTTTCCATCCACAGTTATACTCACCA[G>T]AAACACCACAGGAGGCCCGCCGATCAAAGCCATGGCTGTAGAGAGCTTGCGTTTGTTGCC-3'
Protein context (NP_005493.2, residues 2058-2078): ALIGGPPVVF[Leu2068Met]DEPTTGMDPK